The following is an entry in ClinVar:

ClinVar aggregate classification (germline): Pathogenic. Review status: criteria provided, multiple submitters, no conflicts (2 of 4 stars). 5 submissions from 5 submitters: Pathogenic (3). 2 of the submissions do not count toward it. Last evaluated 2025-09-16.

Conditions:
Cone-rod dystrophy 3 (CORD3). Identifiers: Orphanet 1872, MedGen C1858806, MONDO:0011395, OMIM 604116.
Age related macular degeneration 2. Also called: MACULAR DEGENERATION, SENILE; MACULOPATHY, AGE-RELATED, 2; MACULOPATHY, AGE-RELATED. Identifiers: MedGen C3495438, MONDO:0007932, OMIM 153800.
Retinitis pigmentosa 19 (RP19). Also called: ABCA4-Related Retinitis Pigmentosa. Identifiers: Orphanet 791, MedGen C1866422, MONDO:0011137, OMIM 601718.
Severe early-childhood-onset retinal dystrophy (STGD1). Also called: MACULAR DYSTROPHY WITH FLECKS, TYPE 1; STGD; Stargardt disease 1; Stargardt macular dystrophy; Juvenile onset macular degeneration. Identifiers: Orphanet 364055, Orphanet 827, MedGen C1855465, MeSH D000080362, MONDO:0009549, OMIM 248200.
Stargardt disease (FFM). Also called: Fundus flavimaculatus; Stargardt's disease. Identifiers: Orphanet 827, MedGen C0271093, MONDO:0019353.

Allele frequency attached by ClinVar (database versions not stated): TOPMed below 0.00001; gnomAD exomes 0.00001 and below 0.00001; gnomAD 0.00001; 1000 Genomes Project 30x 0.00016; 1000 Genomes Project 0.00020; ExAC 0.00002.
gnomAD v4.1: 3 of 1,614,160 alleles (0.00019%); highest among the groups gnomAD compares: East Asian, 0.0067%; no homozygotes.

Submissions (5):

Labcorp Genetics (formerly Invitae), Labcorp
Classification: Pathogenic. Last evaluated: 2025-09-16. Review status: criteria provided, single submitter. Criteria: Invitae Variant Classification Sherloc (09022015). Collection method: clinical testing. Allele origin: germline.
Comment: This sequence change replaces phenylalanine, which is neutral and non-polar, with serine, which is neutral and polar, at codon 2188 of the ABCA4 protein (p.Phe2188Ser). This variant is present in population databases (rs61750658, gnomAD 0.006%). This missense change has been observed in individual(s) with Stargardt disease (PMID: 23755871, 26161775, 26780318). In at least one individual the data is consistent with being in trans (on the opposite chromosome) from a pathogenic variant. ClinVar contains an entry for this variant (Variation ID: 99468). Invitae Evidence Modeling of protein sequence and biophysical properties (such as structural, functional, and spatial information, amino acid conservation, physicochemical variation, residue mobility, and thermodynamic stability) indicates that this missense variant is expected to disrupt ABCA4 protein function with a positive predictive value of 95%. For these reasons, this variant has been classified as Pathogenic.

Fulgent Genetics
Classification: Pathogenic for Age related macular degeneration 2; Severe early-childhood-onset retinal dystrophy; Retinitis pigmentosa 19; Cone-rod dystrophy 3. Last evaluated: 2024-03-29. Review status: criteria provided, single submitter. Criteria: ACMG Guidelines, 2015. Collection method: clinical testing. Allele origin: germline.

Juno Genomics, Hangzhou Juno Genomics, Inc
Classification: Pathogenic for Severe early-childhood-onset retinal dystrophy; Age related macular degeneration 2; Cone-rod dystrophy 3; Retinitis pigmentosa 19. Review status: criteria provided, single submitter. Criteria: ACMG Guidelines, 2015. Collection method: clinical testing. Allele origin: germline. Affected: yes.
Comment: Absent from controls (or at extremely low frequency if recessive) in Genome Aggregation Database, Exome Sequencing Project, 1000 Genomes Project, or Exome Aggregation Consortium.;Multiple lines of computational evidence support a deleterious effect on the gene or gene product (conservation, evolutionary, splicing impact, etc).;For recessive disorders, detected in trans with a pathogenic variant.;Co-segregation with disease in multiple affected family members in a gene definitively known to cause the disease.

Sharon lab, Hadassah-Hebrew University Medical Center
Classification: Pathogenic for Stargardt disease. Last evaluated: 2019-06-23. Review status: no assertion criteria provided. Collection method: research. Allele origin: inherited. Affected: yes. Not counted in ClinVar's aggregate classification.

Retina International
No classification provided. Review status: no classification provided. Collection method: not provided. Allele origin: not provided. Not counted in ClinVar's aggregate classification.

Literature cited by the submitters: PubMed 23755871 (cited by Labcorp Genetics (formerly Invitae), Labcorp); PubMed 26161775 (cited by Labcorp Genetics (formerly Invitae), Labcorp); PubMed 26780318 (cited by Labcorp Genetics (formerly Invitae), Labcorp).

NM_000350.3(ABCA4):c.6563T>C (p.Phe2188Ser)

Gene: ABCA4 (ATP binding cassette subfamily A member 4; minus strand). Cytogenetic location: 1p22.1.
Variant type: single nucleotide variant.
Coding change: c.6563T>C on transcript NM_000350.3 (MANE Select); coding-DNA position 6563, T replaced by C.
Protein change: p.Phe2188Ser; replaces phenylalanine 2188 with serine.
Molecular consequence: missense variant.
Genome position (GRCh38, 1-based): chr1:93,998,027, A>G on the plus strand (T>C on the coding strand, the complement: ABCA4 is on the minus strand). VCF-style: chr1-93998027-A-G. GRCh37 (hg19) VCF-style: chr1-94463583-A-G.
Other names: c.6341T>C, p.Phe2114Ser (NM_001425324.1); short protein forms F2188S, F2114S.
Identifiers: ClinVar variation 99468 (VCV000099468.12), dbSNP rs61750658, ClinGen allele CA227415.